The following is an entry in ClinVar:

ClinVar aggregate classification (germline): Uncertain significance. Review status: criteria provided, multiple submitters, no conflicts (2 of 4 stars). 2 submissions from 2 submitters: Uncertain significance (2). Last evaluated 2025-07-27.

Conditions:
Autosomal dominant nocturnal frontal lobe epilepsy 5. Also called: CILIARY DYSKINESIA, PRIMARY, 28, WITHOUT SITUS INVERSUS; CILIARY DYSKINESIA, PRIMARY, 28, WITH SITUS INVERSUS; Epilepsy, nocturnal frontal lobe, 5; KCNT1-Related Epilepsy. Identifiers: Orphanet 98784, MedGen C3554306, MONDO:0014002, OMIM 615005.
Developmental and epileptic encephalopathy, 14 (DEE14). Also called: Early infantile epileptic encephalopathy 14. Identifiers: Orphanet 293181, MedGen C3554195, MONDO:0013989, OMIM 614959.

Allele frequency attached by ClinVar (database versions not stated): ESP Exome Variant Server 0.00008.
gnomAD v4.1: 26 of 1,613,784 alleles (0.0016%); highest among the groups gnomAD compares: South Asian, 0.0088%; no homozygotes.

Submissions (2):

Labcorp Genetics (formerly Invitae), Labcorp
Classification: Uncertain significance for Autosomal dominant nocturnal frontal lobe epilepsy 5; Developmental and epileptic encephalopathy, 14. Last evaluated: 2025-07-27. Review status: criteria provided, single submitter. Criteria: Invitae Variant Classification Sherloc (09022015). Collection method: clinical testing. Allele origin: germline.
Comment: This sequence change replaces aspartic acid, which is acidic and polar, with asparagine, which is neutral and polar, at codon 1187 of the KCNT1 protein (p.Asp1187Asn). This variant is present in population databases (rs142875411, gnomAD 0.01%). This variant has not been reported in the literature in individuals affected with KCNT1-related conditions. ClinVar contains an entry for this variant (Variation ID: 2196614). Invitae Evidence Modeling of protein sequence and biophysical properties (such as structural, functional, and spatial information, amino acid conservation, physicochemical variation, residue mobility, and thermodynamic stability) indicates that this missense variant is not expected to disrupt KCNT1 protein function with a negative predictive value of 80%. In summary, the available evidence is currently insufficient to determine the role of this variant in disease. Therefore, it has been classified as a Variant of Uncertain Significance.

Women's Health and Genetics/Laboratory Corporation of America, LabCorp
Classification: Uncertain significance. Last evaluated: 2024-12-09. Review status: criteria provided, single submitter. Criteria: LabCorp Variant Classification Summary - May 2015. Collection method: clinical testing. Allele origin: germline.
Comment: Variant summary: KCNT1 c.3559G>A (p.Asp1187Asn) results in a conservative amino acid change in the encoded protein sequence. Three of five in-silico tools predict a benign effect of the variant on protein function. The variant allele was found at a frequency of 2.4e-05 in 251300 control chromosomes, suggesting the variant may be benign. To our knowledge, no occurrence of c.3559G>A in individuals affected with Developmental And Epileptic Encephalopathy, 14 and no experimental evidence demonstrating its impact on protein function have been reported. ClinVar contains an entry for this variant (Variation ID: 2196614). Based on the evidence outlined above, the variant was classified as VUS-possibly benign.

NM_020822.3(KCNT1):c.3559G>A (p.Asp1187Asn)

Gene: KCNT1 (potassium sodium-activated channel subfamily T member 1; plus strand). Cytogenetic location: 9q34.3.
Variant type: single nucleotide variant.
Coding change: c.3559G>A on transcript NM_020822.3 (MANE Select); coding-DNA position 3559, G replaced by A.
Protein change: p.Asp1187Asn; replaces aspartic acid 1187 with asparagine.
Molecular consequence: missense variant.
Genome position (GRCh38, 1-based): chr9:135,791,853, G>A. VCF-style: chr9-135791853-G-A. GRCh37 (hg19) VCF-style: chr9-138683699-G-A.
Other names: c.3487G>A, p.Asp1163Asn (NM_001272003.2); short protein forms D1163N, D1187N.
Identifiers: ClinVar variation 2196614 (VCV002196614.5), dbSNP rs142875411, ClinGen allele CA5327946.